The following is an entry in ClinVar:

ClinVar aggregate classification (germline): Uncertain significance (1 of 4 stars; one submission).

Submission:

Ambry Genetics
Classification: Uncertain significance. Last evaluated: 2023-04-23. Review status: criteria provided, single submitter. Criteria: Ambry Variant Classification Scheme 2023. Collection method: clinical testing. Allele origin: germline.
Comment: The p.M410I variant (also known as c.1230G>T), located in coding exon 10 of the RECQL gene, results from a G to T substitution at nucleotide position 1230. The methionine at codon 410 is replaced by isoleucine, an amino acid with highly similar properties. This amino acid position is conserved. In addition, this alteration is predicted to be tolerated by in silico analysis. Since supporting evidence is limited at this time, the clinical significance of this alteration remains unclear.

NM_002907.4(RECQL):c.1230G>T (p.Met410Ile)

Gene: RECQL (RecQ like helicase; minus strand). Cytogenetic location: 12p12.1.
Variant type: single nucleotide variant.
Coding change: c.1230G>T on transcript NM_002907.4 (MANE Select); coding-DNA position 1230, G replaced by T.
Protein change: p.Met410Ile; replaces methionine 410 with isoleucine.
Molecular consequence: missense variant.
Genome position (GRCh38, 1-based): chr12:21,474,966, C>A on the plus strand (G>T on the coding strand, the complement: RECQL is on the minus strand). VCF-style: chr12-21474966-C-A. GRCh37 (hg19) VCF-style: chr12-21627900-C-A.
Other names: c.1230G>T, p.Met410Ile (NM_032941.3); short protein forms M410I.
Identifiers: ClinVar variation 2565574 (VCV002565574.2), dbSNP rs2540341614, ClinGen allele CA384118949.